The following is an entry in ClinVar:

NM_000059.4(BRCA2):c.4213A>C (p.Asn1405His)

Gene: BRCA2 (BRCA2 DNA repair associated; plus strand). Cytogenetic location: 13q13.1.
Variant type: single nucleotide variant.
Coding change: c.4213A>C on transcript NM_000059.4 (MANE Select); coding-DNA position 4213, A replaced by C.
Protein change: p.Asn1405His; replaces asparagine 1405 with histidine.
Molecular consequence: missense variant.
Genome position (GRCh38, 1-based): chr13:32,338,568, A>C. VCF-style: chr13-32338568-A-C. GRCh37 (hg19) VCF-style: chr13-32912705-A-C.
Other names: short protein forms N1405H.
Identifiers: ClinVar variation 1014181 (VCV001014181.12), dbSNP rs1555283633, ClinGen allele CA387780266.
Genomic context (GRCh38, chr13:32,338,568, plus strand): 5'-TCAGATTTAACTTTTTTGGAAGTTGCGAAAGCTCAAGAAGCATGTCATGGTAATACTTCA[A>C]ATAAAGAACAGTTAACTGCTACTAAAACGGAGCAAAATATAAAAGATTTTGAGACTTCTG-3'
Protein context (NP_000050.3, residues 1395-1415): AQEACHGNTS[Asn1405His]KEQLTATKTE

ClinVar aggregate classification (germline): Conflicting classifications of pathogenicity. Review status: criteria provided, conflicting classifications (1 of 4 stars). 3 submissions from 3 submitters: Uncertain significance (2); Likely benign (1). Last evaluated 2023-03-23.

Conditions:
Hereditary cancer-predisposing syndrome. Also called: Hereditary Cancer Syndrome; Tumor predisposition; Neoplastic Syndromes, Hereditary; Hereditary neoplastic syndrome. Identifiers: Orphanet 140162, MedGen C0027672, MeSH D009386, MONDO:0015356.
Hereditary breast ovarian cancer syndrome. Also called: Hereditary breast and ovarian cancer syndrome (HBOC); Hereditary breast and/or ovarian cancer syndrome; BRCA1- and BRCA2-Associated Hereditary Breast and Ovarian Cancer; Hereditary breast and ovarian cancer syndrome; Hereditary breast and ovarian cancer; Breast and ovarian cancer. Identifiers: Orphanet 145, MedGen C0677776, MeSH D061325, MONDO:0003582. Disease mechanism: loss of function.

Submissions (3):

University of Washington Department of Laboratory Medicine, University of Washington
Classification: Likely benign for Hereditary cancer-predisposing syndrome. Last evaluated: 2023-03-23. Review status: criteria provided, single submitter. Criteria: Dines et al. (Genet Med. 2020). Collection method: curation. Allele origin: germline.
Comment: Missense variant in a coldspot region where missense variants are very unlikely to be pathogenic (PMID:31911673).

BRCA2 exon 11 coldspot. Reclassification based on statistical prior probability.

Ambry Genetics
Classification: Uncertain significance for Hereditary cancer-predisposing syndrome. Last evaluated: 2022-05-12. Review status: criteria provided, single submitter. Criteria: Ambry Variant Classification Scheme 2023. Collection method: clinical testing. Allele origin: germline.
Comment: The p.N1405H variant (also known as c.4213A>C), located in coding exon 10 of the BRCA2 gene, results from an A to C substitution at nucleotide position 4213. The asparagine at codon 1405 is replaced by histidine, an amino acid with similar properties. This amino acid position is conserved. In addition, this alteration is predicted to be tolerated by in silico analysis. Since supporting evidence is limited at this time, the clinical significance of this alteration remains unclear.

Labcorp Genetics (formerly Invitae), Labcorp
Classification: Uncertain significance for Hereditary breast ovarian cancer syndrome. Last evaluated: 2020-09-23. Review status: criteria provided, single submitter. Criteria: Invitae Variant Classification Sherloc (09022015). Collection method: clinical testing. Allele origin: germline.
Comment: Advanced modeling of protein sequence and biophysical properties (such as structural, functional, and spatial information, amino acid conservation, physicochemical variation, residue mobility, and thermodynamic stability) performed at Invitae indicates that this missense variant is not expected to disrupt BRCA2 protein function. In summary, the available evidence is currently insufficient to determine the role of this variant in disease. Therefore, it has been classified as a Variant of Uncertain Significance. This variant has not been reported in the literature in individuals with BRCA2-related conditions. This variant is not present in population databases (ExAC no frequency). This sequence change replaces asparagine with histidine at codon 1405 of the BRCA2 protein (p.Asn1405His). The asparagine residue is weakly conserved and there is a small physicochemical difference between asparagine and histidine.